The following is an entry in ClinVar:

ClinVar aggregate classification (germline): Uncertain significance (1 of 4 stars; one submission).

Submission:

Labcorp Genetics (formerly Invitae), Labcorp
Classification: Uncertain significance. Last evaluated: 2021-12-30. Review status: criteria provided, single submitter. Criteria: Invitae Variant Classification Sherloc (09022015). Collection method: clinical testing. Allele origin: germline.
Comment: This variant has not been reported in the literature in individuals affected with CFAP410-related conditions. In summary, the available evidence is currently insufficient to determine the role of this variant in disease. Therefore, it has been classified as a Variant of Uncertain Significance. Algorithms developed to predict the effect of missense changes on protein structure and function are either unavailable or do not agree on the potential impact of this missense change (SIFT: "Deleterious"; PolyPhen-2: "Probably Damaging"; Align-GVGD: "Class C0"). This variant is not present in population databases (gnomAD no frequency). This sequence change replaces lysine, which is basic and polar, with asparagine, which is neutral and polar, at codon 2 of the CFAP410 protein (p.Lys2Asn).

NM_004928.3(CFAP410):c.6G>T (p.Lys2Asn)

Genes: CFAP410 (cilia and flagella associated protein 410; minus strand), LOC130066823 (ATAC-STARR-seq lymphoblastoid silent region 13383; plus strand). Cytogenetic location: 21q22.3.
Variant type: single nucleotide variant.
Coding change: c.6G>T on transcript NM_004928.3 (MANE Select); coding-DNA position 6, G replaced by T.
Protein change: p.Lys2Asn; replaces lysine 2 with asparagine.
Molecular consequence: missense variant.
Genome position (GRCh38, 1-based): chr21:44,339,189, C>A on the plus strand (G>T on the coding strand, the complement: CFAP410 is on the minus strand). VCF-style: chr21-44339189-C-A. GRCh37 (hg19) VCF-style: chr21-45759072-C-A.
Other names: c.6G>T, p.Lys2Asn (NM_001271440.2, NM_001271441.2); short protein forms K2N.
Identifiers: ClinVar variation 1947502 (VCV001947502.3), dbSNP rs769824575, ClinGen allele CA410461502.
Genomic context (GRCh38, chr21:44,339,189, plus strand): 5'-CTTGCGCACGCTGTGCAGCTCCGAGGCCTTGGCCCGGGTCAGAACCATCTTCCGCGTCAG[C>A]TTCATGGCGGCCGCCCAGGCCCGACCGGCGGGCGCCCCCGGCCTCCTGATCCCGGGCGGG-3'
Protein context (NP_004919.1, residues 1-12): M[Lys2Asn]LTRKMVLTRA